The following is an entry in ClinVar:

ClinVar aggregate classification (germline): Pathogenic (1 of 4 stars; one submission).

Conditions:
Ataxia-telangiectasia syndrome (AT). Also called: ATAXIA-TELANGIECTASIA, COMPLEMENTATION GROUP A; ATAXIA-TELANGIECTASIA, FRESNO VARIANT; Ataxia-telangiectasia; Ataxia-telangiectasia, complementation group E; LOUIS-BAR SYNDROME; Cerebello-oculocutaneous telangiectasia. Identifiers: Orphanet 100, MedGen C0004135, MONDO:0008840, OMIM 208900.

Submission:

Labcorp Genetics (formerly Invitae), Labcorp
Classification: Pathogenic for Ataxia-telangiectasia syndrome. Last evaluated: 2023-05-19. Review status: criteria provided, single submitter. Criteria: Invitae Variant Classification Sherloc (09022015). Collection method: clinical testing. Allele origin: germline.
Comment: This sequence change creates a premature translational stop signal (p.Asp1968Tyrfs*3) in the ATM gene. It is expected to result in an absent or disrupted protein product. Loss-of-function variants in ATM are known to be pathogenic (PMID: 23807571, 25614872). For these reasons, this variant has been classified as Pathogenic. This variant has not been reported in the literature in individuals affected with ATM-related conditions. This variant is not present in population databases (gnomAD no frequency).

Literature cited by the submitters: PubMed 23807571; PubMed 25614872.

NM_000051.4(ATM):c.5898_5901dup (p.Asp1968fs)

Genes: ATM (ATM serine/threonine kinase; plus strand), C11orf65 (chromosome 11 open reading frame 65; minus strand). Cytogenetic location: 11q22.3.
Variant type: Duplication.
Coding change: c.5898_5901dup on transcript NM_000051.4 (MANE Select); coding-DNA positions 5898 to 5901, 4 bases duplicated (TATG; older notation c.5898_5901dupTATG).
Protein change: p.Asp1968fs; shifts the reading frame from aspartic acid 1968.
Molecular consequence: frameshift variant. On other transcripts: intron variant (2).
Genome position (GRCh38, 1-based): chr11:108,310,295-108,310,298, TATG duplicated; duplicating any 4 consecutive bases within chr11:108,310,294-108,310,298 gives the same sequence; the c. name uses the placement nearest the transcript's 3' end. VCF-style (leftmost placement, unchanged base first): chr11-108310293-A-AGTAT. GRCh37 (hg19) VCF-style: chr11-108181020-A-AGTAT.
Other names: c.5898_5901dup, p.Asp1968fs (NM_001351834.2); c.641-1226_641-1223dup (NM_001330368.2); c.*39-1226_*39-1223dup (NM_001351110.2); short protein forms D1968fs.
Identifiers: ClinVar variation 2865761 (VCV002865761.3), dbSNP rs2547030225, ClinGen allele CA2739270991.